The following is an entry in ClinVar:

NM_001232.4(CASQ2):c.581A>C (p.Lys194Thr)

Gene: CASQ2 (calsequestrin 2; minus strand). Cytogenetic location: 1p13.1.
Variant type: single nucleotide variant.
Coding change: c.581A>C on transcript NM_001232.4 (MANE Select); coding-DNA position 581, A replaced by C.
Protein change: p.Lys194Thr; replaces lysine 194 with threonine.
Molecular consequence: missense variant.
Genome position (GRCh38, 1-based): chr1:115,732,926, T>G on the plus strand (A>C on the coding strand, the complement: CASQ2 is on the minus strand). VCF-style: chr1-115732926-T-G. GRCh37 (hg19) VCF-style: chr1-116275547-T-G.
Other names: short protein forms K194T.
Identifiers: ClinVar variation 1043187 (VCV001043187.10), dbSNP rs755558916, ClinGen allele CA1023861.

ClinVar aggregate classification (germline): Uncertain significance (1 of 4 stars; one submission).

Conditions:
Catecholaminergic polymorphic ventricular tachycardia 1. Also called: VENTRICULAR TACHYCARDIA, CATECHOLAMINERGIC POLYMORPHIC, 1, WITH OR WITHOUT ATRIAL DYSFUNCTION AND/OR DILATED CARDIOMYOPATHY; VENTRICULAR TACHYCARDIA, STRESS-INDUCED POLYMORPHIC 1; RYR2-Related Catecholaminergic Polymorphic Ventricular Tachycardia. Identifiers: Orphanet 3286, MedGen C1631597, MONDO:0011484, OMIM 604772.

Allele frequency attached by ClinVar (database versions not stated): gnomAD exomes below 0.00001; ExAC 0.00001.
gnomAD v4.1: 2 of 1,613,934 alleles (0.00012%); highest among the groups gnomAD compares: Non-Finnish European, 0.00017%; no homozygotes.

Submission:

Labcorp Genetics (formerly Invitae), Labcorp
Classification: Uncertain significance for Catecholaminergic polymorphic ventricular tachycardia 1. Last evaluated: 2020-03-03. Review status: criteria provided, single submitter. Criteria: Invitae Variant Classification Sherloc (09022015). Collection method: clinical testing. Allele origin: germline.
Comment: In summary, the available evidence is currently insufficient to determine the role of this variant in disease. Therefore, it has been classified as a Variant of Uncertain Significance. Algorithms developed to predict the effect of missense changes on protein structure and function are either unavailable or do not agree on the potential impact of this missense change (SIFT: "Deleterious"; PolyPhen-2: "Probably Damaging"; Align-GVGD: "Class C0"). This variant has not been reported in the literature in individuals with CASQ2-related conditions. This variant is present in population databases (rs755558916, ExAC 0.001%). This sequence change replaces lysine with threonine at codon 194 of the CASQ2 protein (p.Lys194Thr). The lysine residue is highly conserved and there is a moderate physicochemical difference between lysine and threonine.